The following is an entry in ClinVar:

ClinVar aggregate classification (germline): Uncertain significance (1 of 4 stars; one submission).

Conditions:
Neurodevelopmental disorder. Identifiers: MedGen C1535926, MeSH D065886, MONDO:0700092.

gnomAD v4.1: 3 of 1,614,208 alleles (0.00019%); highest among the groups gnomAD compares: Non-Finnish European, 0.00025%; no homozygotes.

Submission:

Victorian Clinical Genetics Services, Murdoch Childrens Research Institute
Classification: Uncertain significance for Neurodevelopmental disorder. Last evaluated: 2025-09-01. Review status: criteria provided, single submitter. Criteria: ACMG Guidelines, 2015. Collection method: clinical testing. Allele origin: germline. Affected: no.
Comment: This variant is classified as VUS-3C. Evidence in support of pathogenic classification: Variant is present in gnomAD <0.001 for a dominant condition (v4: 3 heterozygote(s), 0 homozygote(s)). - Missense variant predicted to be damaging by in silico tool(s) or highly conserved with a major amino acid change. Evidence in support of benign classification: Non-segregation of this variant with the phenotype under investigation has been clearly demonstrated. Additional information: Variant is predicted to result in a missense amino acid change from Ala to Asp; This variant is heterozygous; This gene is associated with autosomal dominant disease; This variant has no previous evidence of pathogenicity. - No published functional evidence has been identified for this variant; No comparable missense variants have previous evidence for pathogenicity; Variant is located in the annotated ZU5 domain (DECIPHER); Loss of function is a known mechanism of disease in this gene and is associated with neurodevelopmental disorder (MONDO:0700092), ANK2-related.

Literature cited by the submitters: PubMed 26704558.

NM_001148.6(ANK2):c.3080C>A (p.Ala1027Asp)

Gene: ANK2 (ankyrin 2; plus strand). Cytogenetic location: 4q26.
Variant type: single nucleotide variant.
Coding change: c.3080C>A on transcript NM_001148.6 (MANE Select); coding-DNA position 3080, C replaced by A.
Protein change: p.Ala1027Asp; replaces alanine 1027 with aspartic acid.
Molecular consequence: missense variant.
Genome position (GRCh38, 1-based): chr4:113,330,425, C>A. VCF-style: chr4-113330425-C-A. GRCh37 (hg19) VCF-style: chr4-114251581-C-A.
Other names: c.3053C>A, p.Ala1018Asp (NM_001127493.3); c.3092C>A, p.Ala1031Asp (NM_001354225.2); c.3080C>A, p.Ala1027Asp (NM_001354228.2, NM_001354258.2, NM_020977.5); c.3158C>A, p.Ala1053Asp (NM_001354230.2, NM_001354237.2); c.3122C>A, p.Ala1041Asp (NM_001354231.2, NM_001354242.2); c.3116C>A, p.Ala1039Asp (NM_001354232.2); c.3077C>A, p.Ala1026Asp (NM_001354235.2, NM_001354236.2, NM_001354246.2 and 1 more transcripts); c.3050C>A, p.Ala1017Asp (NM_001354239.2, NM_001354252.2, NM_001354272.2); and 23 more; short protein forms A1005D, A1006D, A1008D, A1010D, A1013D, A1015D, A1017D, A1018D.
Identifiers: ClinVar variation 4531920 (VCV004531920.1).